The following is an entry in ClinVar:

ClinVar aggregate classification (germline): Uncertain significance. Review status: criteria provided, multiple submitters, no conflicts (2 of 4 stars). 2 submissions from 2 submitters: Uncertain significance (2). Last evaluated 2025-10-28.

Allele frequency attached by ClinVar (database versions not stated): gnomAD exomes below 0.00001; gnomAD 0.00001; TOPMed 0.00002; ExAC 0.00003.
gnomAD v4.1: 8 of 1,590,452 alleles (0.0005%); highest among the groups gnomAD compares: East Asian, 0.013%; no homozygotes.

Submissions (2):

Ambry Genetics
Classification: Uncertain significance. Last evaluated: 2025-10-28. Review status: criteria provided, single submitter. Criteria: Ambry Variant Classification Scheme 2023. Collection method: clinical testing. Allele origin: germline.

Labcorp Genetics (formerly Invitae), Labcorp
Classification: Uncertain significance. Last evaluated: 2025-09-17. Review status: criteria provided, single submitter. Criteria: Invitae Variant Classification Sherloc (09022015). Collection method: clinical testing. Allele origin: germline.
Comment: This sequence change replaces tyrosine, which is neutral and polar, with cysteine, which is neutral and slightly polar, at codon 470 of the IFT88 protein (p.Tyr470Cys). This variant is present in population databases (rs766242235, gnomAD 0.03%). This variant has not been reported in the literature in individuals affected with IFT88-related conditions. ClinVar contains an entry for this variant (Variation ID: 1957641). An algorithm developed to predict the effect of missense changes on protein structure and function (PolyPhen-2) suggests that this variant is likely to be disruptive. In summary, the available evidence is currently insufficient to determine the role of this variant in disease. Therefore, it has been classified as a Variant of Uncertain Significance.

NM_006531.5(IFT88):c.1382A>G (p.Tyr461Cys)

Gene: IFT88 (intraflagellar transport 88; plus strand). Cytogenetic location: 13q12.11.
Variant type: single nucleotide variant.
Coding change: c.1382A>G on transcript NM_006531.5 (MANE Select); coding-DNA position 1382, A replaced by G.
Protein change: p.Tyr461Cys; replaces tyrosine 461 with cysteine.
Molecular consequence: missense variant. On other transcripts: non-coding transcript variant (5).
Genome position (GRCh38, 1-based): chr13:20,631,098, A>G. VCF-style: chr13-20631098-A-G. GRCh37 (hg19) VCF-style: chr13-21205237-A-G.
Other names: c.1223A>G, p.Tyr408Cys (NM_001353574.2); c.1325A>G, p.Tyr442Cys (NM_001353575.2, NM_001318491.2); c.1307A>G, p.Tyr436Cys (NM_001353576.2, NM_001353577.2, NM_001353569.2 and 1 more transcripts); c.1280A>G, p.Tyr427Cys (NM_001353578.2, NM_001353571.2); c.749A>G, p.Tyr250Cys (NM_001353579.2); c.1409A>G, p.Tyr470Cys (NM_175605.5, NM_001318493.2, NM_001353565.2 and 2 more transcripts); c.1382A>G, p.Tyr461Cys (NM_001353568.2, NM_001353572.2); c.1238A>G, p.Tyr413Cys (NM_001353573.2); and 1 more; short protein forms Y408C, Y436C, Y442C, Y470C, Y250C, Y461C, Y427C, Y413C.
Identifiers: ClinVar variation 1957641 (VCV001957641.7), dbSNP rs766242235, ClinGen allele CA6905388.